The following is an entry in ClinVar:

NM_001197104.2(KMT2A):c.4961T>A (p.Leu1654Ter)

Gene: KMT2A (lysine methyltransferase 2A; plus strand). Cytogenetic location: 11q23.3.
Variant type: single nucleotide variant.
Coding change: c.4961T>A on transcript NM_001197104.2 (MANE Select); coding-DNA position 4961, T replaced by A.
Protein change: p.Leu1654Ter; replaces leucine 1654 with a stop codon.
Molecular consequence: nonsense.
Genome position (GRCh38, 1-based): chr11:118,491,885, T>A. VCF-style: chr11-118491885-T-A. GRCh37 (hg19) VCF-style: chr11-118362600-T-A.
Other names: c.5051T>A, p.Leu1684Ter (NM_001412597.1); c.4952T>A, p.Leu1651Ter (NM_005933.4); short protein forms L1651*, L1654*, L1684*.
Identifiers: ClinVar variation 4845330 (VCV004845330.2).

ClinVar aggregate classification (germline): Pathogenic (1 of 4 stars; one submission).

Conditions:
Wiedemann-Steiner syndrome (WDSTS). Also called: Growth deficiency and mental retardation with facial dysmorphism. Identifiers: Orphanet 319182, MedGen C1854630, MONDO:0011518, OMIM 605130.

Submission:

Victorian Clinical Genetics Services, Murdoch Childrens Research Institute
Classification: Pathogenic for Wiedemann-Steiner syndrome. Last evaluated: 2026-03-10. Review status: criteria provided, single submitter. Criteria: ACMG Guidelines, 2015. Collection method: clinical testing. Allele origin: germline.
Comment: This variant is classified as Pathogenic. Evidence in support of pathogenic classification: Variant is predicted to cause nonsense-mediated decay (NMD) and loss of protein (premature termination codon is located at least 54 nucleotides upstream of the final exon-exon junction); Variant is absent from gnomAD (v2, v3 and v4); Other NMD-predicted variant(s) comparable to the one identified in this case have very strong previous evidence for pathogenicity (DECIPHER). Additional information: This variant is heterozygous; This gene is associated with autosomal dominant disease; Loss of function is a known mechanism of disease in this gene and is associated with Wiedemann-Steiner syndrome (MIM#605130); Inheritance information for this variant is not currently available in this individual.